The following is an entry in ClinVar:

ClinVar aggregate classification (germline): Uncertain significance (1 of 4 stars; one submission).

Conditions:
Progressive sclerosing poliodystrophy (MTDPS4A). Also called: Mitochondrial DNA Depletion Syndrome 4A; Alpers-Huttenlocher Syndrome (AHS); ALPERS PROGRESSIVE INFANTILE POLIODYSTROPHY; NEURONAL DEGENERATION OF CHILDHOOD WITH LIVER DISEASE, PROGRESSIVE; Alpers Syndrome; ALPERS DIFFUSE DEGENERATION OF CEREBRAL GRAY MATTER WITH HEPATIC CIRRHOSIS. Identifiers: Orphanet 726, MedGen C0205710, MONDO:0008758, OMIM 203700.

Submission:

Labcorp Genetics (formerly Invitae), Labcorp
Classification: Uncertain significance for Progressive sclerosing poliodystrophy. Last evaluated: 2022-01-02. Review status: criteria provided, single submitter. Criteria: Invitae Variant Classification Sherloc (09022015). Collection method: clinical testing. Allele origin: germline.
Comment: In summary, the available evidence is currently insufficient to determine the role of this variant in disease. Therefore, it has been classified as a Variant of Uncertain Significance. Algorithms developed to predict the effect of missense changes on protein structure and function output the following: SIFT: "Tolerated"; PolyPhen-2: "Benign"; Align-GVGD: "Class C0". The valine amino acid residue is found in multiple mammalian species, which suggests that this missense change does not adversely affect protein function. This variant has not been reported in the literature in individuals affected with POLG-related conditions. This variant is not present in population databases (gnomAD no frequency). This sequence change replaces isoleucine, which is neutral and non-polar, with valine, which is neutral and non-polar, at codon 385 of the POLG protein (p.Ile385Val).

NM_002693.3(POLG):c.1153A>G (p.Ile385Val)

Gene: POLG (DNA polymerase gamma, catalytic subunit; minus strand). Cytogenetic location: 15q26.1.
Variant type: single nucleotide variant.
Coding change: c.1153A>G on transcript NM_002693.3 (MANE Select); coding-DNA position 1153, A replaced by G.
Protein change: p.Ile385Val; replaces isoleucine 385 with valine.
Molecular consequence: missense variant.
Genome position (GRCh38, 1-based): chr15:89,328,702, T>C on the plus strand (A>G on the coding strand, the complement: POLG is on the minus strand). VCF-style: chr15-89328702-T-C. GRCh37 (hg19) VCF-style: chr15-89871933-T-C.
Other names: c.1153A>G, p.Ile385Val (NM_001126131.2); short protein forms I385V.
Identifiers: ClinVar variation 2069761 (VCV002069761.4), dbSNP rs2509261099, ClinGen allele CA393764677.